The following is an entry in ClinVar:

ClinVar aggregate classification (germline): Uncertain significance (1 of 4 stars; one submission).

Conditions:
Early-infantile DEE. Also called: Ohtahara syndrome; Early infantile epileptic encephalopathy with suppression bursts; Early infantile epileptic encephalopathy. Identifiers: Orphanet 1934, MedGen C0393706, MONDO:0800491.

Submission:

Labcorp Genetics (formerly Invitae), Labcorp
Classification: Uncertain significance for Early-infantile DEE. Last evaluated: 2024-02-26. Review status: criteria provided, single submitter. Criteria: Invitae Variant Classification Sherloc (09022015). Collection method: clinical testing. Allele origin: germline.
Comment: This sequence change replaces phenylalanine, which is neutral and non-polar, with serine, which is neutral and polar, at codon 80 of the KCNQ2 protein (p.Phe80Ser). This variant is not present in population databases (gnomAD no frequency). This variant has not been reported in the literature in individuals affected with KCNQ2-related conditions. ClinVar contains an entry for this variant (Variation ID: 963165). Advanced modeling of protein sequence and biophysical properties (such as structural, functional, and spatial information, amino acid conservation, physicochemical variation, residue mobility, and thermodynamic stability) has been performed at Invitae for this missense variant, however the output from this modeling did not meet the statistical confidence thresholds required to predict the impact of this variant on KCNQ2 protein function. In summary, the available evidence is currently insufficient to determine the role of this variant in disease. Therefore, it has been classified as a Variant of Uncertain Significance.

NM_172107.4(KCNQ2):c.239T>C (p.Phe80Ser)

Gene: KCNQ2 (potassium voltage-gated channel subfamily Q member 2; minus strand). Cytogenetic location: 20q13.33.
Variant type: single nucleotide variant.
Coding change: c.239T>C on transcript NM_172107.4 (MANE Select); coding-DNA position 239, T replaced by C.
Protein change: p.Phe80Ser; replaces phenylalanine 80 with serine.
Molecular consequence: missense variant.
Genome position (GRCh38, 1-based): chr20:63,472,225, A>G on the plus strand (T>C on the coding strand, the complement: KCNQ2 is on the minus strand). VCF-style: chr20-63472225-A-G. GRCh37 (hg19) VCF-style: chr20-62103578-A-G.
Other names: c.239T>C, p.Phe80Ser (NM_001382235.1, NM_004518.6, NM_172106.3 and 2 more transcripts); short protein forms F80S.
Identifiers: ClinVar variation 963165 (VCV000963165.10), dbSNP rs2082234077, ClinGen allele CA409635096.